The following is an entry in ClinVar:

NM_006005.3(WFS1):c.316-14T>G

Gene: WFS1 (wolframin ER transmembrane glycoprotein; plus strand). Cytogenetic location: 4p16.1.
Variant type: single nucleotide variant.
Coding change: c.316-14T>G on transcript NM_006005.3 (MANE Select); 14 bases into the intron before coding-DNA position 316, T replaced by G.
Molecular consequence: intron variant.
Genome position (GRCh38, 1-based): chr4:6,288,973, T>G. VCF-style: chr4-6288973-T-G. GRCh37 (hg19) VCF-style: chr4-6290700-T-G.
Other names: c.316-14T>G (NM_001145853.1).
Identifiers: ClinVar variation 1810333 (VCV001810333.1), dbSNP rs749922151, ClinGen allele CA2838860.

ClinVar aggregate classification (germline): Benign (1 of 4 stars; one submission).

Conditions:
Wolfram syndrome 1 (WFS1). Identifiers: Orphanet 3463, MedGen C4551693, MONDO:0009101, OMIM 222300.

Allele frequency attached by ClinVar (database versions not stated): ExAC 0.00003.
gnomAD v4.1: 2 of 1,606,050 alleles (0.00012%); highest among the groups gnomAD compares: Non-Finnish European, 0.00017%; no homozygotes.

Submission:

Clinical Genomics, Uppaluri K&H Personalized Medicine Clinic
Classification: Benign for Wolfram syndrome 1. Review status: criteria provided, single submitter. Criteria: K & H Uppaluri Personalized Medicine Clinic Variant Classification & Assertion Criteria_Updated V.1. Collection method: research. Allele origin: unknown. Inheritance: Autosomal recessive inheritance.
Comment: Potent mutations in WFS1 gene are associated with Wolfram's syndrome, an autosomal recessive condition, which cause diabetes mellitus, diabetes insipidus, deafness and optic atrophy. However no sufficient evidence is found to ascertain the role of this particular variant rs749922151 in Wolfram's syndrome yet.

Literature cited by the submitters: PubMed 20738327; PubMed 33879153; PubMed 12955714; PubMed 18060660; PubMed 20301750; PubMed 17603484.